The following is an entry in ClinVar:

NM_001478.5(B4GALNT1):c.260G>A (p.Gly87Glu)

Gene: B4GALNT1 (beta-1,4-N-acetyl-galactosaminyltransferase 1; minus strand). Cytogenetic location: 12q13.3.
Variant type: single nucleotide variant.
Coding change: c.260G>A on transcript NM_001478.5 (MANE Select); coding-DNA position 260, G replaced by A.
Protein change: p.Gly87Glu; replaces glycine 87 with glutamic acid.
Molecular consequence: missense variant. On other transcripts: intron variant (1).
Genome position (GRCh38, 1-based): chr12:57,631,323, C>T on the plus strand (G>A on the coding strand, the complement: B4GALNT1 is on the minus strand). VCF-style: chr12-57631323-C-T. GRCh37 (hg19) VCF-style: chr12-58025106-C-T.
Other names: c.260G>A, p.Gly87Glu (NM_001276469.2); c.219-237G>A (NM_001276468.2); short protein forms G87E.
Identifiers: ClinVar variation 645775 (VCV000645775.6), dbSNP rs1426969942, ClinGen allele CA385502010.

ClinVar aggregate classification (germline): Uncertain significance (1 of 4 stars; one submission).

Conditions:
Spastic paraplegia. Identifiers: MedGen C0037772, HP:0001258.

gnomAD v4.1: 1 of 1,614,112 alleles (0.000062%); highest among the groups gnomAD compares: Non-Finnish European, 0.000085%; no homozygotes.

Submission:

Labcorp Genetics (formerly Invitae), Labcorp
Classification: Uncertain significance for Spastic paraplegia. Last evaluated: 2021-09-01. Review status: criteria provided, single submitter. Criteria: Invitae Variant Classification Sherloc (09022015). Collection method: clinical testing. Allele origin: germline.
Comment: This sequence change replaces glycine with glutamic acid at codon 87 of the B4GALNT1 protein (p.Gly87Glu). The glycine residue is moderately conserved and there is a moderate physicochemical difference between glycine and glutamic acid. This variant is not present in population databases (ExAC no frequency). This variant has not been reported in the literature in individuals affected with B4GALNT1-related conditions. Algorithms developed to predict the effect of missense changes on protein structure and function are either unavailable or do not agree on the potential impact of this missense change (SIFT: "Deleterious"; PolyPhen-2: "Benign"; Align-GVGD: "Class C0"). In summary, the available evidence is currently insufficient to determine the role of this variant in disease. Therefore, it has been classified as a Variant of Uncertain Significance.